The following is an entry in ClinVar:

ClinVar aggregate classification (germline): Pathogenic (1 of 4 stars; one submission).

Conditions:
Charcot-Marie-Tooth disease axonal type 2F (CMT2F). Also called: CHARCOT-MARIE-TOOTH DISEASE, NEURONAL, TYPE 2F; Charcot-Marie-Tooth Neuropathy Type 2F. Identifiers: Orphanet 99940, MedGen C1847823, MONDO:0011687, OMIM 606595.

Submission:

Labcorp Genetics (formerly Invitae), Labcorp
Classification: Pathogenic for Charcot-Marie-Tooth disease axonal type 2F. Last evaluated: 2022-10-10. Review status: criteria provided, single submitter. Criteria: Invitae Variant Classification Sherloc (09022015). Collection method: clinical testing. Allele origin: germline.
Comment: This variant has not been reported in the literature in individuals affected with HSPB1-related conditions. This variant is not present in population databases (gnomAD no frequency). This sequence change creates a premature translational stop signal (p.Ser158Profs*6) in the HSPB1 gene. While this is not anticipated to result in nonsense mediated decay, it is expected to disrupt the last 48 amino acid(s) of the HSPB1 protein. This variant disrupts the region of the HSPB1 protein between between codon 39 and 182. Other variants in this region have been observed in individuals with autosomal dominant HSPB1-related conditions (PMID: 22734906, 28144995, 29381233), which suggests that this may be a clinically significant region of the protein. For these reasons, this variant has been classified as Pathogenic.

Literature cited by the submitters: PubMed 22734906; PubMed 28144995; PubMed 29381233.

NM_001540.5(HSPB1):c.472del (p.Ser158fs)

Gene: HSPB1 (heat shock protein family B (small) member 1; plus strand). Cytogenetic location: 7q11.23.
Variant type: Deletion.
Coding change: c.472del on transcript NM_001540.5 (MANE Select); coding-DNA position 472, one base deleted (T; older notation c.472delT).
Protein change: p.Ser158fs; shifts the reading frame from serine 158.
Molecular consequence: frameshift variant.
Genome position (GRCh38, 1-based): chr7:76,304,027, T deleted. VCF-style (leftmost placement, unchanged base first): chr7-76304026-GT-G. GRCh37 (hg19) VCF-style: chr7-75933343-GT-G.
Other names: short protein forms S158fs.
Identifiers: ClinVar variation 2035012 (VCV002035012.4), dbSNP rs2536151779, ClinGen allele CA2580077403.